The following is an entry in ClinVar:

ClinVar aggregate classification (germline): Uncertain significance. Review status: criteria provided, single submitter (1 of 4 stars). 2 submissions from 2 submitters: Uncertain significance (1). 1 of the submissions does not count toward it. Last evaluated 2024-01-03.

Conditions:
SEMA3G-related disorder. Also called: SEMA3G-related condition.

Allele frequency attached by ClinVar (database versions not stated): ExAC 0.00002; gnomAD exomes 0.00003; gnomAD 0.00005; TOPMed 0.00006.
gnomAD v4.1: 52 of 1,613,870 alleles (0.0032%); highest among the groups gnomAD compares: Non-Finnish European, 0.0041%; no homozygotes.

Submissions (2):

Ambry Genetics
Classification: Uncertain significance. Last evaluated: 2024-01-03. Review status: criteria provided, single submitter. Criteria: Ambry Variant Classification Scheme 2023. Collection method: clinical testing. Allele origin: germline.

PreventionGenetics, part of Exact Sciences
Classification: Uncertain significance for SEMA3G-related condition. Last evaluated: 2024-09-16. Review status: no assertion criteria provided. Collection method: clinical testing. Allele origin: germline. Not counted in ClinVar's aggregate classification.
Comment: The SEMA3G c.2021T>C variant is predicted to result in the amino acid substitution p.Ile674Thr. To our knowledge, this variant has not been reported in the literature. This variant is reported in 0.0054% of alleles in individuals of European (Non-Finnish) descent in gnomAD. At this time, the clinical significance of this variant is uncertain due to the absence of conclusive functional and genetic evidence.

NM_020163.3(SEMA3G):c.2021T>C (p.Ile674Thr)

Gene: SEMA3G (semaphorin 3G; minus strand). Cytogenetic location: 3p21.1.
Variant type: single nucleotide variant.
Coding change: c.2021T>C on transcript NM_020163.3 (MANE Select); coding-DNA position 2021, T replaced by C.
Protein change: p.Ile674Thr; replaces isoleucine 674 with threonine.
Molecular consequence: missense variant.
Genome position (GRCh38, 1-based): chr3:52,435,931, A>G on the plus strand (T>C on the coding strand, the complement: SEMA3G is on the minus strand). VCF-style: chr3-52435931-A-G. GRCh37 (hg19) VCF-style: chr3-52469947-A-G.
Other names: c.2021T>C (NM_020163.1); short protein forms I674T.
Identifiers: ClinVar variation 2628941 (VCV002628941.3), dbSNP rs750529472, ClinGen allele CA2437735.
Genomic context (GRCh38, chr3:52,435,931, plus strand): 5'-GCTGGGGGCTCCTCTGGCTTTGGCTCCGGAGGGAACAGGTTGTCCAGCTGTGAGGCCACA[A>G]TCACCACCAGAGCCAGGCGGACCACAGTCTGGGAGAAGCCATGCTCCAGAGTGGTGCAGG-3'
Protein context (NP_064548.1, residues 664-684): QTVVRLALVV[Ile674Thr]VASQLDNLFP